The following is an entry in ClinVar:

ClinVar aggregate classification (germline): Uncertain significance (1 of 4 stars; one submission).

Submission:

Ambry Genetics
Classification: Uncertain significance. Last evaluated: 2022-02-17. Review status: criteria provided, single submitter. Criteria: Ambry Variant Classification Scheme 2023. Collection method: clinical testing. Allele origin: germline.
Comment: The p.D36H variant (also known as c.106G>C), located in coding exon 1 of the BUB3 gene, results from a G to C substitution at nucleotide position 106. The aspartic acid at codon 36 is replaced by histidine, an amino acid with similar properties. This amino acid position is conserved. In addition, this alteration is predicted to be deleterious by in silico analysis. Since supporting evidence is limited at this time, the clinical significance of this alteration remains unclear.

NM_004725.4(BUB3):c.106G>C (p.Asp36His)

Genes: BUB3 (BUB3 mitotic checkpoint protein; plus strand), LOC130004885 (ATAC-STARR-seq lymphoblastoid active region 4151; plus strand). Cytogenetic location: 10q26.13.
Variant type: single nucleotide variant.
Coding change: c.106G>C on transcript NM_004725.4 (MANE Select); coding-DNA position 106, G replaced by C.
Protein change: p.Asp36His; replaces aspartic acid 36 with histidine.
Molecular consequence: missense variant.
Genome position (GRCh38, 1-based): chr10:123,155,023, G>C. VCF-style: chr10-123155023-G-C. GRCh37 (hg19) VCF-style: chr10-124914539-G-C.
Other names: c.106G>C, p.Asp36His (NM_001007793.3); short protein forms D36H.
Identifiers: ClinVar variation 1783068 (VCV001783068.2), dbSNP rs2493755407, ClinGen allele CA378624953.